The following is an entry in ClinVar:

ClinVar aggregate classification (germline): Conflicting classifications of pathogenicity. Review status: criteria provided, conflicting classifications (1 of 4 stars). 5 submissions from 5 submitters: Uncertain significance (4); Likely benign (1). Last evaluated 2025-07-01.

Conditions:
Inborn genetic diseases. Identifiers: MedGen C0950123, MeSH D030342.

Allele frequency attached by ClinVar (database versions not stated): ExAC 0.00008; gnomAD exomes 0.00010; TOPMed 0.00012.
gnomAD v4.1: 215 of 1,612,834 alleles (0.013%); highest among the groups gnomAD compares: Middle Eastern, 0.15%; no homozygotes.

Submissions (5):

CeGaT Center for Human Genetics Tuebingen
Classification: Likely benign. Last evaluated: 2025-07-01. Review status: criteria provided, single submitter. Criteria: CeGaT Center For Human Genetics Tuebingen Variant Classification Criteria Version 2. Collection method: clinical testing. Allele origin: germline. Affected: yes. Observed: 1 variant allele.
Comment: PLAA: BP4

Labcorp Genetics (formerly Invitae), Labcorp
Classification: Uncertain significance. Last evaluated: 2022-08-22. Review status: criteria provided, single submitter. Criteria: Invitae Variant Classification Sherloc (09022015). Collection method: clinical testing. Allele origin: germline.
Comment: This sequence change replaces asparagine, which is neutral and polar, with serine, which is neutral and polar, at codon 333 of the PLAA protein (p.Asn333Ser). This variant is present in population databases (rs754335768, gnomAD 0.01%). This variant has not been reported in the literature in individuals affected with PLAA-related conditions. ClinVar contains an entry for this variant (Variation ID: 1435682). Algorithms developed to predict the effect of missense changes on protein structure and function output the following: SIFT: "Tolerated"; PolyPhen-2: "Benign"; Align-GVGD: "Class C0". The serine amino acid residue is found in multiple mammalian species, which suggests that this missense change does not adversely affect protein function. In summary, the available evidence is currently insufficient to determine the role of this variant in disease. Therefore, it has been classified as a Variant of Uncertain Significance.

Clinical Genetics Laboratory, Skane University Hospital Lund
Classification: Uncertain significance. Last evaluated: 2022-05-27. Review status: criteria provided, single submitter. Criteria: ACMG Guidelines, 2015. Collection method: clinical testing. Allele origin: germline. Affected: yes.

Ambry Genetics
Classification: Uncertain significance for Inborn genetic diseases. Last evaluated: 2021-09-16. Review status: criteria provided, single submitter. Criteria: Ambry Variant Classification Scheme 2023. Collection method: clinical testing. Allele origin: germline.

Breakthrough Genomics
Classification: Uncertain significance. Review status: criteria provided, single submitter. Criteria: ACMG Guidelines, 2015. Collection method: not provided. Allele origin: germline. Inheritance: Autosomal recessive inheritance. Affected: yes.

NM_001031689.3(PLAA):c.998A>G (p.Asn333Ser)

Gene: PLAA (phospholipase A2 activating protein; minus strand). Cytogenetic location: 9p21.2.
Variant type: single nucleotide variant.
Coding change: c.998A>G on transcript NM_001031689.3 (MANE Select); coding-DNA position 998, A replaced by G.
Protein change: p.Asn333Ser; replaces asparagine 333 with serine.
Molecular consequence: missense variant.
Genome position (GRCh38, 1-based): chr9:26,923,219, T>C on the plus strand (A>G on the coding strand, the complement: PLAA is on the minus strand). VCF-style: chr9-26923219-T-C. GRCh37 (hg19) VCF-style: chr9-26923217-T-C.
Other names: c.998A>G, p.Asn333Ser (NM_001321546.2); c.998A>G (NM_001031689.2); short protein forms N333S.
Identifiers: ClinVar variation 1435682 (VCV001435682.14), dbSNP rs754335768, ClinGen allele CA5014495.